The following is an entry in ClinVar:

ClinVar aggregate classification (germline): Conflicting classifications of pathogenicity. Review status: criteria provided, conflicting classifications (1 of 4 stars). 2 submissions from 2 submitters: Pathogenic (1); Uncertain significance (1). Last evaluated 2024-03-05.

Conditions:
Ciliary dyskinesia, primary, 36, X-linked (CILD36). Also called: CILIARY DYSKINESIA, PRIMARY, 36, WITH OR WITHOUT SITUS INVERSUS. Identifiers: MedGen C4478372, MONDO:0010517, OMIM 300991.

Allele frequency attached by ClinVar (database versions not stated): gnomAD exomes below 0.00001 and 0.00001; TOPMed below 0.00001; ExAC 0.00001.
gnomAD v4.1: 2 of 1,193,056 alleles (0.00017%); highest among the groups gnomAD compares: East Asian, 0.0062%; no homozygotes.

Submissions (2):

Labcorp Genetics (formerly Invitae), Labcorp
Classification: Uncertain significance. Last evaluated: 2024-03-05. Review status: criteria provided, single submitter. Criteria: Invitae Variant Classification Sherloc (09022015). Collection method: clinical testing. Allele origin: germline.
Comment: This sequence change replaces glycine, which is neutral and non-polar, with valine, which is neutral and non-polar, at codon 97 of the PIH1D3 protein (p.Gly97Val). The frequency data for this variant in the population databases is considered unreliable, as metrics indicate poor data quality at this position in the gnomAD database. This missense change has been observed in individual(s) with primary ciliary dyskinesia (PMID: 32170493). ClinVar contains an entry for this variant (Variation ID: 917481). An algorithm developed to predict the effect of missense changes on protein structure and function (PolyPhen-2) suggests that this variant is likely to be disruptive. Experimental studies have shown that this missense change affects PIH1D3 function (PMID: 32170493). In summary, the available evidence is currently insufficient to determine the role of this variant in disease. Therefore, it has been classified as a Variant of Uncertain Significance.

Institute of Reproductive and Stem Cell Engineering, Central South University
Classification: Pathogenic for Ciliary dyskinesia, primary, 36, X-linked. Last evaluated: 2020-03-13. Review status: criteria provided, single submitter. Criteria: Wang et al. (J Assist Reprod Genet. 2020). Collection method: research. Allele origin: germline. Inheritance: X-linked recessive inheritance. Affected: yes. Observed: 1 variant allele, 1 hemizygote.
Comment: We identified one novel hemizygous frameshift variant (NM_173494, c.319_329del: p.R107fs) of DNAAF6 gene (previously named PIH1D3) in family 1 and one novel hemizygous missense variant (c.290G>T: p.G97V) in family 2. No hemizygous deleterious variants in DNAAF6 were detected in the control cohort of 442 individuals. Ultrastructural and immunostaining analyses of patients' spermatozoa showed the absence of outer and inner dynein arms in sperm flagella. Both variants were proven to lead to DNAAF6 protein degradation in HEK293T cells. Both patients carrying DNAAF6 variants underwent one ICSI cycle and delivered one healthy child each.

Literature cited by the submitters: PubMed 32170493 (cited by Labcorp Genetics (formerly Invitae), Labcorp).

NM_173494.2(DNAAF6):c.290G>T (p.Gly97Val)

Gene: DNAAF6 (dynein axonemal assembly factor 6; plus strand). Cytogenetic location: Xq22.3.
Variant type: single nucleotide variant.
Coding change: c.290G>T on transcript NM_173494.2 (MANE Select); coding-DNA position 290, G replaced by T.
Protein change: p.Gly97Val; replaces glycine 97 with valine.
Molecular consequence: missense variant.
Genome position (GRCh38, 1-based): chrX:107,218,927, G>T. VCF-style: chrX-107218927-G-T. GRCh37 (hg19) VCF-style: chrX-106462157-G-T.
Other names: c.290G>T, p.Gly97Val (NM_001169154.2); short protein forms G97V.
Identifiers: ClinVar variation 917481 (VCV000917481.5), dbSNP rs765827471, ClinGen allele CA10484646.